The following is an entry in ClinVar:

NM_005720.4(ARPC1B):c.557G>A (p.Gly186Asp)

Gene: ARPC1B (actin related protein 2/3 complex subunit 1B; plus strand). Cytogenetic location: 7q22.1.
Variant type: single nucleotide variant.
Coding change: c.557G>A on transcript NM_005720.4 (MANE Select); coding-DNA position 557, G replaced by A.
Protein change: p.Gly186Asp; replaces glycine 186 with aspartic acid.
Molecular consequence: missense variant.
Genome position (GRCh38, 1-based): chr7:99,390,949, G>A. VCF-style: chr7-99390949-G-A. GRCh37 (hg19) VCF-style: chr7-98988572-G-A.
Other names: short protein forms G186D.
Identifiers: ClinVar variation 4995554 (VCV004995554.1).
Genomic context (GRCh38, chr7:99,390,949, plus strand): 5'-GTAGGATCTTTTCAGCCTACATCAAGGAGGTGGAGGAACGGCCGGCACCCACCCCGTGGG[G>A]CTCCAAGATGCCCTTTGGGGAACTGATGTTCGAATCCAGCAGTAGCTGCGGCTGGGTACA-3'
Protein context (NP_005711.1, residues 176-196): VEERPAPTPW[Gly186Asp]SKMPFGELMF

ClinVar aggregate classification (germline): Uncertain significance (1 of 4 stars; one submission).

Conditions:
ARPC1B-related disorder. Also called: ARPC1B-related condition.

gnomAD v4.1: 1 of 1,613,566 alleles (0.000062%); highest among the groups gnomAD compares: Non-Finnish European, 0.000085%; no homozygotes.

Submission:

PreventionGenetics, part of Exact Sciences
Classification: Uncertain significance for ARPC1B-related condition. Last evaluated: 2025-11-24. Review status: criteria provided, single submitter. Criteria: ACMG Guidelines, 2015. Collection method: clinical testing. Allele origin: germline.
Comment: The ARPC1B c.557G>A variant is predicted to result in the amino acid substitution p.Gly186Asp. To our knowledge, this variant has not been reported in the literature or in a large population database (gnomAD), indicating this variant is rare. At this time, the clinical significance of this variant is uncertain due to the absence of conclusive functional and genetic evidence.